The following is an entry in ClinVar:

ClinVar aggregate classification (germline): Uncertain significance (1 of 4 stars; one submission).

Conditions:
Familial thoracic aortic aneurysm and aortic dissection (TAAD). Also called: Thoracic aortic aneurysms and dissections. Identifiers: Orphanet 91387, MedGen C4707243, MONDO:0019625.

Allele frequency attached by ClinVar (database versions not stated): ExAC 0.00001.
gnomAD v4.1: 2 of 1,614,186 alleles (0.00012%); highest among the groups gnomAD compares: Non-Finnish European, 0.00017%; no homozygotes.

Submission:

Ambry Genetics
Classification: Uncertain significance for Familial thoracic aortic aneurysm and aortic dissection. Last evaluated: 2022-12-15. Review status: criteria provided, single submitter. Criteria: Ambry Variant Classification Scheme 2023. Collection method: clinical testing. Allele origin: germline.
Comment: The p.Y67C variant (also known as c.200A>G), located in coding exon 1 of the TGFB3 gene, results from an A to G substitution at nucleotide position 200. The tyrosine at codon 67 is replaced by cysteine, an amino acid with highly dissimilar properties. This amino acid position is not well conserved in available vertebrate species. In addition, this alteration is predicted to be tolerated by in silico analysis. Since supporting evidence is limited at this time, the clinical significance of this alteration remains unclear.

NM_003239.5(TGFB3):c.200A>G (p.Tyr67Cys)

Gene: TGFB3 (transforming growth factor beta 3; minus strand). Cytogenetic location: 14q24.3.
Variant type: single nucleotide variant.
Coding change: c.200A>G on transcript NM_003239.5 (MANE Select); coding-DNA position 200, A replaced by G.
Protein change: p.Tyr67Cys; replaces tyrosine 67 with cysteine.
Molecular consequence: missense variant.
Genome position (GRCh38, 1-based): chr14:75,980,694, T>C on the plus strand (A>G on the coding strand, the complement: TGFB3 is on the minus strand). VCF-style: chr14-75980694-T-C. GRCh37 (hg19) VCF-style: chr14-76447037-T-C.
Other names: c.200A>G, p.Tyr67Cys (NM_001329938.2, NM_001329939.2); short protein forms Y67C.
Identifiers: ClinVar variation 2452147 (VCV002452147.2), dbSNP rs759038232, ClinGen allele CA7280496.